The following is an entry in ClinVar:

NM_007254.4(PNKP):c.1283_1296del (p.Ala428fs)

Gene: PNKP (polynucleotide kinase 3'-phosphatase; minus strand). Cytogenetic location: 19q13.33.
Variant type: Deletion.
Coding change: c.1283_1296del on transcript NM_007254.4 (MANE Select); coding-DNA positions 1283 to 1296, 14 bases deleted (CCGCGAGCCGCGCC).
Protein change: p.Ala428fs; shifts the reading frame from alanine 428.
Molecular consequence: frameshift variant.
Genome position (GRCh38, 1-based): chr19:49,861,774-49,861,787, GGCGCGGCTCGCGG deleted on the plus strand (CCGCGAGCCGCGCC on the coding strand, the reverse complement: PNKP is on the minus strand). VCF-style (leftmost placement, unchanged base first): chr19-49861773-TGGCGCGGCTCGCGG-T. GRCh37 (hg19) VCF-style: chr19-50365030-TGGCGCGGCTCGCGG-T.
Other names: short protein forms A428fs.
Identifiers: ClinVar variation 1802106 (VCV001802106.4), dbSNP rs893076827, ClinGen allele CA309540003.

ClinVar aggregate classification (germline): Pathogenic/Likely pathogenic. Review status: criteria provided, multiple submitters, no conflicts (2 of 4 stars). 2 submissions from 2 submitters: Pathogenic (1); Likely pathogenic (1). Last evaluated 2023-02-06.

Conditions:
Developmental and epileptic encephalopathy, 12 (DEE12). Identifiers: MedGen C3150988, MONDO:0013389, OMIM 613722.

Allele frequency attached by ClinVar (database versions not stated): TOPMed 0.00002.

Submissions (2):

Labcorp Genetics (formerly Invitae), Labcorp
Classification: Pathogenic for Developmental and epileptic encephalopathy, 12. Last evaluated: 2023-02-06. Review status: criteria provided, single submitter. Criteria: Invitae Variant Classification Sherloc (09022015). Collection method: clinical testing. Allele origin: germline.
Comment: For these reasons, this variant has been classified as Pathogenic. This variant disrupts a region of the PNKP protein in which other variant(s) (p.Gln517*) have been determined to be pathogenic (PMID: 30039206). This suggests that this is a clinically significant region of the protein, and that variants that disrupt it are likely to be disease-causing. ClinVar contains an entry for this variant (Variation ID: 1802106). This variant has not been reported in the literature in individuals affected with PNKP-related conditions. This variant is not present in population databases (gnomAD no frequency). This sequence change creates a premature translational stop signal (p.Ala428Glufs*61) in the PNKP gene. While this is not anticipated to result in nonsense mediated decay, it is expected to disrupt the last 94 amino acid(s) of the PNKP protein.

GeneDx
Classification: Likely pathogenic. Last evaluated: 2022-11-30. Review status: criteria provided, single submitter. Criteria: GeneDx Variant Classification Process June 2021. Collection method: clinical testing. Allele origin: germline. Affected: yes.
Comment: Frameshift variant predicted to result in protein truncation, as the last 94 amino acids are replaced with 60 different amino acids, and other loss-of-function variants have been reported downstream in the Human Gene Mutation Database (HGMD); Not observed at significant frequency in large population cohorts (gnomAD); Has not been previously published as pathogenic or benign to our knowledge

Literature cited by the submitters: PubMed 30039206 (cited by Labcorp Genetics (formerly Invitae), Labcorp).